The following is an entry in ClinVar:

NM_000053.4(ATP7B):c.2755_2756insAA (p.Arg919fs)

Gene: ATP7B (ATPase copper transporting beta; minus strand). Cytogenetic location: 13q14.3.
Variant type: Insertion.
Coding change: c.2755_2756insAA on transcript NM_000053.4 (MANE Select); coding-DNA positions 2755 to 2756, AA inserted.
Protein change: p.Arg919fs; shifts the reading frame from arginine 919.
Molecular consequence: frameshift variant. On other transcripts: intron variant (1).
Genome position: GRCh38 VCF-style: chr13-51949771-C-CTT. GRCh37 (hg19) VCF-style: chr13-52523907-C-CTT.
Other names: c.2422_2423insAA, p.Arg808fs (NM_001243182.2); c.2521_2522insAA, p.Arg841fs (NM_001330578.2); c.2503_2504insAA, p.Arg835fs (NM_001330579.2); c.2755_2756insAA, p.Arg919Glnfs (NM_001406511.1, NM_001406512.1, NM_001406513.1 and 5 more transcripts); c.2722_2723insAA, p.Arg908Glnfs (NM_001406514.1); c.2659_2660insAA, p.Arg887Glnfs (NM_001406517.1, NM_001406518.1); c.2611_2612insAA, p.Arg871Glnfs (NM_001406520.1, NM_001406521.1, NM_001406522.1 and 1 more transcripts); c.2578_2579insAA, p.Arg860Glnfs (NM_001406524.1); and 11 more; short protein forms R919fs, R835fs, R808fs, R841fs.
Identifiers: ClinVar variation 2011797 (VCV002011797.4), dbSNP rs2547667199, ClinGen allele CA2580087679.

ClinVar aggregate classification (germline): Pathogenic (1 of 4 stars; one submission).

Conditions:
Wilson disease (WND). Also called: Wilson's disease. Identifiers: Orphanet 905, MedGen C0019202, MONDO:0010200, OMIM 277900. Disease mechanism: loss of function.

Submission:

Labcorp Genetics (formerly Invitae), Labcorp
Classification: Pathogenic for Wilson disease. Last evaluated: 2022-06-28. Review status: criteria provided, single submitter. Criteria: Invitae Variant Classification Sherloc (09022015). Collection method: clinical testing. Allele origin: germline.
Comment: This sequence change creates a premature translational stop signal (p.Arg919Glnfs*17) in the ATP7B gene. It is expected to result in an absent or disrupted protein product. Loss-of-function variants in ATP7B are known to be pathogenic (PMID: 10441329, 16283883). This variant is not present in population databases (gnomAD no frequency). This variant has not been reported in the literature in individuals affected with ATP7B-related conditions. For these reasons, this variant has been classified as Pathogenic.

Literature cited by the submitters: PubMed 10441329; PubMed 16283883.